The following is an entry in ClinVar:

NM_032776.3(JMJD1C):c.6433T>G (p.Ser2145Ala)

Gene: JMJD1C (jumonji domain containing 1C; minus strand). Cytogenetic location: 10q21.3.
Variant type: single nucleotide variant.
Coding change: c.6433T>G on transcript NM_032776.3 (MANE Select); coding-DNA position 6433, T replaced by G.
Protein change: p.Ser2145Ala; replaces serine 2145 with alanine.
Molecular consequence: missense variant. On other transcripts: non-coding transcript variant (1).
Genome position (GRCh38, 1-based): chr10:63,189,305, A>C on the plus strand (T>G on the coding strand, the complement: JMJD1C is on the minus strand). VCF-style: chr10-63189305-A-C. GRCh37 (hg19) VCF-style: chr10-64949065-A-C.
Other names: c.5887T>G, p.Ser1963Ala (NM_001282948.2, NM_001318154.2); c.5569T>G, p.Ser1857Ala (NM_001318153.2); c.6319T>G, p.Ser2107Ala (NM_001322252.2); c.5776T>G, p.Ser1926Ala (NM_001322254.2, NM_001322258.2); short protein forms S1963A, S2107A, S2145A, S1857A, S1926A.
Identifiers: ClinVar variation 658383 (VCV000658383.10), dbSNP rs1589097262, ClinGen allele CA377024017.
Genomic context (GRCh38, chr10:63,189,305, plus strand): 5'-TCTCACAGATCCAAGAATGTGGTATATCACTGTATAATTTATTATTTTCATCCACTGCAG[A>C]TATTATGCTTTCTTCAGGCTCTTCTTTAAGCTCTGGTTTTACATTTATCTTGGAGGTTTT-3'
Protein context (NP_116165.1, residues 2135-2155): LKEEPEESII[Ser2145Ala]AVDENNKLYS

ClinVar aggregate classification (germline): Uncertain significance (1 of 4 stars; one submission).

Conditions:
Early Myoclonic Encephalopathy. Identifiers: MedGen C0270855.

Submission:

Labcorp Genetics (formerly Invitae), Labcorp
Classification: Uncertain significance for Early Myoclonic Encephalopathy. Last evaluated: 2019-03-13. Review status: criteria provided, single submitter. Criteria: Invitae Variant Classification Sherloc (09022015). Collection method: clinical testing. Allele origin: germline.
Comment: In summary, the available evidence is currently insufficient to determine the role of this variant in disease. Therefore, it has been classified as a Variant of Uncertain Significance. Algorithms developed to predict the effect of missense changes on protein structure and function (SIFT, PolyPhen-2, Align-GVGD) all suggest that this variant is likely to be tolerated, but these predictions have not been confirmed by published functional studies and their clinical significance is uncertain. This variant has not been reported in the literature in individuals with JMJD1C-related conditions. This variant is not present in population databases (ExAC no frequency). This sequence change replaces serine with alanine at codon 2145 of the JMJD1C protein (p.Ser2145Ala). The serine residue is moderately conserved and there is a moderate physicochemical difference between serine and alanine.